The following is an entry in ClinVar:

NM_001670.3(ARVCF):c.1029G>A (p.Ser343=)

Gene: ARVCF (ARVCF delta catenin family member; minus strand). Cytogenetic location: 22q11.21.
Variant type: single nucleotide variant.
Coding change: c.1029G>A on transcript NM_001670.3 (MANE Select); coding-DNA position 1029, G replaced by A.
Protein change: p.Ser343=; no amino-acid change (serine 343 retained).
Molecular consequence: synonymous variant.
Genome position (GRCh38, 1-based): chr22:19,980,110, C>T on the plus strand (G>A on the coding strand, the complement: ARVCF is on the minus strand). VCF-style: chr22-19980110-C-T. GRCh37 (hg19) VCF-style: chr22-19967633-C-T.
Other names: c.840G>A, p.Ser280= (NM_001410839.1).
Identifiers: ClinVar variation 3388599 (VCV003388599.14).
Genomic context (GRCh38, chr22:19,980,110, plus strand): 5'-CACCTCAGGCAGCTCAGGGTCCCGCCAGCGCGGCTCCTTGCGGGCGCTATCCACTGAGGG[C>T]GAGCGCCGCACCAGCCGGTCCAGGCTGCCCATGCTGCCCCGTTCAGGCTGGGCCAGGGGC-3'
Protein context (NP_001661.1, residues 333-353): MGSLDRLVRR[Ser343=]PSVDSARKEP

ClinVar aggregate classification (germline): Likely benign (1 of 4 stars; one submission).

gnomAD v4.1: 114 of 1,585,476 alleles (0.0072%); highest among the groups gnomAD compares: East Asian, 0.12%; no homozygotes.

Submission:

CeGaT Center for Human Genetics Tuebingen
Classification: Likely benign. Last evaluated: 2024-09-01. Review status: criteria provided, single submitter. Criteria: CeGaT Center For Human Genetics Tuebingen Variant Classification Criteria Version 2. Collection method: clinical testing. Allele origin: germline. Affected: yes. Observed: 1 variant allele.
Comment: ARVCF: BP4, BP7